The following is an entry in ClinVar:

NM_002458.3(MUC5B):c.9269C>T (p.Thr3090Ile)

Genes: MUC5B (mucin 5B, oligomeric mucus/gel-forming; plus strand), MUC5B-AS1 (MUC5B antisense RNA 1; minus strand). Cytogenetic location: 11p15.5.
Variant type: single nucleotide variant.
Coding change: c.9269C>T on transcript NM_002458.3 (MANE Select); coding-DNA position 9269, C replaced by T.
Protein change: p.Thr3090Ile; replaces threonine 3090 with isoleucine.
Molecular consequence: missense variant.
Genome position (GRCh38, 1-based): chr11:1,246,149, C>T. VCF-style: chr11-1246149-C-T. GRCh37 (hg19) VCF-style: chr11-1267379-C-T.
Other names: short protein forms T3090I.
Identifiers: ClinVar variation 4554333 (VCV004554333.1).

ClinVar aggregate classification (germline): Uncertain significance (1 of 4 stars; one submission).

gnomAD v4.1: 4 of 1,613,074 alleles (0.00025%); highest among the groups gnomAD compares: Admixed American, 0.0017%; no homozygotes.

Submission:

Ambry Genetics
Classification: Uncertain significance. Last evaluated: 2025-10-14. Review status: criteria provided, single submitter. Criteria: Ambry Variant Classification Scheme 2023. Collection method: clinical testing. Allele origin: germline.
Comment: The c.9269C>T (p.T3090I) alteration is located in exon 31 (coding exon 31) of the MUC5B gene. This alteration results from a C to T substitution at nucleotide position 9269, causing the threonine (T) at amino acid position 3090 to be replaced by an isoleucine (I). Based on data from gnomAD, the T allele has an overall frequency of 0.001% (2/280182) total alleles studied. The highest observed frequency was 0.003% (1/35350) of Latino alleles. Based on insufficient or conflicting evidence, the clinical significance of this alteration remains unclear.